The following is an entry in ClinVar:

NM_001458.5(FLNC):c.1848C>T (p.Ile616=)

Gene: FLNC (filamin C; plus strand). Cytogenetic location: 7q32.1.
Variant type: single nucleotide variant.
Coding change: c.1848C>T on transcript NM_001458.5 (MANE Select); coding-DNA position 1848, C replaced by T.
Protein change: p.Ile616=; no amino-acid change (isoleucine 616 retained).
Molecular consequence: synonymous variant.
Genome position (GRCh38, 1-based): chr7:128,841,204, C>T. VCF-style: chr7-128841204-C-T. GRCh37 (hg19) VCF-style: chr7-128481258-C-T.
Other names: c.1848C>T, p.Ile616= (NM_001127487.2).
Identifiers: ClinVar variation 1159832 (VCV001159832.15), dbSNP rs770173704, ClinGen allele CA4474515.

ClinVar aggregate classification (germline): Likely benign. Review status: criteria provided, multiple submitters, no conflicts (2 of 4 stars). 4 submissions from 4 submitters: Likely benign (4). Last evaluated 2026-06-01.

Conditions:
Myofibrillar myopathy 5. Also called: Filaminopathy (type); FILAMINOPATHY, AUTOSOMAL DOMINANT. Identifiers: Orphanet 171445, MedGen C1836050, MONDO:0012289, OMIM 609524.
Hypertrophic cardiomyopathy 26. Also called: Cardiomyopathy, familial hypertrophic, 26. Identifiers: Orphanet 75249, MedGen C4310749, MONDO:0014883, OMIM 617047.
Distal myopathy with posterior leg and anterior hand involvement. Also called: WILLIAMS DISTAL MYOPATHY. Identifiers: Orphanet 63273, MedGen C3279722, MONDO:0013550, OMIM 614065.
Cardiovascular phenotype. Identifiers: MedGen CN230736.

Allele frequency attached by ClinVar (database versions not stated): ExAC 0.00002; gnomAD 0.00002; TOPMed 0.00002; gnomAD exomes 0.00003.

Submissions (4):

CeGaT Center for Human Genetics Tuebingen
Classification: Likely benign. Last evaluated: 2026-06-01. Review status: criteria provided, single submitter. Criteria: CeGaT Center For Human Genetics Tuebingen Variant Classification Criteria Version 2. Collection method: clinical testing. Allele origin: germline. Affected: yes. Observed: 1 variant allele.
Comment: FLNC: BP4, BP7

Labcorp Genetics (formerly Invitae), Labcorp
Classification: Likely benign for Distal myopathy with posterior leg and anterior hand involvement; Myofibrillar myopathy 5; Hypertrophic cardiomyopathy 26. Last evaluated: 2024-10-29. Review status: criteria provided, single submitter. Criteria: Invitae Variant Classification Sherloc (09022015). Collection method: clinical testing. Allele origin: germline.

Ambry Genetics
Classification: Likely benign for Cardiovascular phenotype. Last evaluated: 2022-04-04. Review status: criteria provided, single submitter. Criteria: Ambry Variant Classification Scheme 2023. Collection method: clinical testing. Allele origin: germline.

GeneDx
Classification: Likely benign. Last evaluated: 2019-07-22. Review status: criteria provided, single submitter. Criteria: GeneDx Variant Classification Process June 2021. Collection method: clinical testing. Allele origin: germline. Affected: yes.